The following is an entry in ClinVar:

ClinVar aggregate classification (germline): Uncertain significance. Review status: criteria provided, multiple submitters, no conflicts (2 of 4 stars). 3 submissions from 3 submitters: Uncertain significance (3). Last evaluated 2025-02-27.

Conditions:
Cardiovascular phenotype. Identifiers: MedGen CN230736.

Allele frequency attached by ClinVar (database versions not stated): gnomAD exomes 0.00003; TOPMed 0.00003; gnomAD 0.00004; ExAC 0.00007.
gnomAD v4.1: 51 of 1,613,970 alleles (0.0032%); highest among the groups gnomAD compares: East Asian, 0.031%; no homozygotes.

Submissions (3):

Ambry Genetics
Classification: Uncertain significance for Cardiovascular phenotype. Last evaluated: 2025-02-27. Review status: criteria provided, single submitter. Criteria: Ambry Variant Classification Scheme 2023. Collection method: clinical testing. Allele origin: germline.
Comment: The p.R1623W variant (also known as c.4867C>T), located in coding exon 10 of the ALPK3 gene, results from a C to T substitution at nucleotide position 4867. The arginine at codon 1623 is replaced by tryptophan, an amino acid with dissimilar properties. This amino acid position is not well conserved in available vertebrate species. In addition, this alteration is predicted to be tolerated by in silico analysis. Since supporting evidence is limited at this time, the clinical significance of this alteration remains unclear.

Labcorp Genetics (formerly Invitae), Labcorp
Classification: Uncertain significance. Last evaluated: 2025-02-27. Review status: criteria provided, single submitter. Criteria: Invitae Variant Classification Sherloc (09022015). Collection method: clinical testing. Allele origin: germline.
Comment: This sequence change replaces arginine, which is basic and polar, with tryptophan, which is neutral and slightly polar, at codon 1623 of the ALPK3 protein (p.Arg1623Trp). This variant is present in population databases (rs761264630, gnomAD 0.08%). This variant has not been reported in the literature in individuals affected with ALPK3-related conditions. ClinVar contains an entry for this variant (Variation ID: 1743666). Invitae Evidence Modeling of protein sequence and biophysical properties (such as structural, functional, and spatial information, amino acid conservation, physicochemical variation, residue mobility, and thermodynamic stability) indicates that this missense variant is expected to disrupt ALPK3 protein function with a positive predictive value of 80%. In summary, the available evidence is currently insufficient to determine the role of this variant in disease. Therefore, it has been classified as a Variant of Uncertain Significance.

GeneDx
Classification: Uncertain significance. Last evaluated: 2024-04-05. Review status: criteria provided, single submitter. Criteria: GeneDx Variant Classification Process June 2021. Collection method: clinical testing. Allele origin: germline. Affected: yes.
Comment: Has not been previously published as pathogenic or benign to our knowledge; In silico analysis supports that this missense variant has a deleterious effect on protein structure/function

NM_020778.5(ALPK3):c.4261C>T (p.Arg1421Trp)

Gene: ALPK3 (alpha kinase 3; plus strand). Cytogenetic location: 15q25.3.
Variant type: single nucleotide variant.
Coding change: c.4261C>T on transcript NM_020778.5 (MANE Select); coding-DNA position 4261, C replaced by T.
Protein change: p.Arg1421Trp; replaces arginine 1421 with tryptophan.
Molecular consequence: missense variant.
Genome position (GRCh38, 1-based): chr15:84,862,766, C>T. VCF-style: chr15-84862766-C-T. GRCh37 (hg19) VCF-style: chr15-85405997-C-T.
Other names: short protein forms R1421W.
Identifiers: ClinVar variation 1743666 (VCV001743666.10), dbSNP rs761264630, ClinGen allele CA7709909.